The following is an entry in ClinVar:

NM_000465.4(BARD1):c.848del (p.Ala283fs)

Gene: BARD1 (BRCA1 associated RING domain 1; minus strand). Cytogenetic location: 2q35.
Variant type: Deletion.
Coding change: c.848del on transcript NM_000465.4 (MANE Select); coding-DNA position 848, one base deleted (C; older notation c.848delC).
Protein change: p.Ala283fs; shifts the reading frame from alanine 283.
Molecular consequence: frameshift variant. On other transcripts: non-coding transcript variant (2), intron variant (3).
Genome position (GRCh38, 1-based): chr2:214,781,026, G deleted on the plus strand (C on the coding strand, the reverse complement: BARD1 is on the minus strand). VCF-style (leftmost placement, unchanged base first): chr2-214781025-AG-A. GRCh37 (hg19) VCF-style: chr2-215645749-AG-A.
Other names: c.791del, p.Ala264fs (NM_001282543.2); c.158+28386del (NM_001282548.2); c.215+16035del (NM_001282545.2); c.364+11271del (NM_001282549.2); short protein forms A283fs, A264fs.
Identifiers: ClinVar variation 3820682 (VCV003820682.1).

ClinVar aggregate classification (germline): Pathogenic (1 of 4 stars; one submission).

Conditions:
Hereditary cancer-predisposing syndrome. Also called: Hereditary neoplastic syndrome; Neoplastic Syndromes, Hereditary; Tumor predisposition; Hereditary Cancer Syndrome. Identifiers: Orphanet 140162, MedGen C0027672, MeSH D009386, MONDO:0015356.

Submission:

Ambry Genetics
Classification: Pathogenic for Hereditary cancer-predisposing syndrome. Last evaluated: 2025-03-05. Review status: criteria provided, single submitter. Criteria: Ambry Variant Classification Scheme 2023. Collection method: clinical testing. Allele origin: germline.
Comment: The c.848delC pathogenic mutation, located in coding exon 4 of the BARD1 gene, results from a deletion of one nucleotide at nucleotide position 848, causing a translational frameshift with a predicted alternate stop codon (p.A283Vfs*4). This alteration is expected to result in loss of function by premature protein truncation or nonsense-mediated mRNA decay. This variant is considered to be rare based on population cohorts in the Genome Aggregation Database (gnomAD). As such, this alteration is interpreted as a disease-causing mutation.